The following is an entry in ClinVar:

ClinVar aggregate classification (germline): Uncertain significance. Review status: criteria provided, multiple submitters, no conflicts (2 of 4 stars). 2 submissions from 2 submitters: Uncertain significance (2). Last evaluated 2025-01-29.

Conditions:
Inborn genetic diseases. Identifiers: MedGen C0950123, MeSH D030342.

Allele frequency attached by ClinVar (database versions not stated): TOPMed 0.00007; gnomAD 0.00002; ExAC 0.00001.

Submissions (2):

Dasa
Classification: Uncertain significance. Last evaluated: 2025-01-29. Review status: criteria provided, single submitter. Criteria: DASA Assertion Criteria. Collection method: clinical testing. Allele origin: germline.
Comment: NM_001510.4(GRID2):c.799G>A (p.Asp267Asn) is a missense variant that results in the substitution of aspartic acid with asparagine. This variant is rare in population databases. The currently available literature and clinical evidence are not sufficient to establish a definitive association between this variant and the reported condition. Therefore, this variant is classified as a variant of uncertain significance.

Ambry Genetics
Classification: Uncertain significance for Inborn genetic diseases. Last evaluated: 2021-07-09. Review status: criteria provided, single submitter. Criteria: Ambry Variant Classification Scheme 2023. Collection method: clinical testing. Allele origin: germline.

NM_001510.4(GRID2):c.799G>A (p.Asp267Asn)

Gene: GRID2 (glutamate ionotropic receptor delta type subunit 2; plus strand). Cytogenetic location: 4q22.2.
Variant type: single nucleotide variant.
Coding change: c.799G>A on transcript NM_001510.4 (MANE Select); coding-DNA position 799, G replaced by A.
Protein change: p.Asp267Asn; replaces aspartic acid 267 with asparagine.
Molecular consequence: missense variant.
Genome position (GRCh38, 1-based): chr4:93,216,747, G>A. VCF-style: chr4-93216747-G-A. GRCh37 (hg19) VCF-style: chr4-94137898-G-A.
Other names: c.514G>A, p.Asp172Asn (NM_001286838.1); short protein forms D267N, D172N.
Identifiers: ClinVar variation 2388002 (VCV002388002.4), dbSNP rs765119459, ClinGen allele CA3012085.
Genomic context (GRCh38, chr4:93,216,747, plus strand): 5'-TTTTGTGACTGTATTAAAGTATCTCTAATTCTTCCACCTCTTATCTTATAGGAAATAAAC[G>A]ATGTGGACGTACAGGAACTTGTAAGAAGGTCAATTGGAAGGTTAACGATTATTCGGCAGA-3'
Protein context (NP_001501.2, residues 257-277): HWIIINEEIN[Asp267Asn]VDVQELVRRS